The following is an entry in ClinVar:

ClinVar aggregate classification (germline): Pathogenic/Likely pathogenic. Review status: criteria provided, multiple submitters, no conflicts (2 of 4 stars). 3 submissions from 3 submitters: Pathogenic (2); Likely pathogenic (1). Last evaluated 2024-11-11.

Conditions:
Thoracic aortic aneurysm or dissection.
Marfan Syndrome/Loeys-Dietz Syndrome/Familial Thoracic Aortic Aneurysms and Dissections. Identifiers: MedGen CN229799.
Familial thoracic aortic aneurysm and aortic dissection (TAAD). Also called: Thoracic aortic aneurysms and dissections. Identifiers: Orphanet 91387, MedGen C4707243, MONDO:0019625.

Submissions (3):

NHS Central & South Genomic Laboratory Hub
Classification: Pathogenic for Thoracic aortic aneurysm or dissection. Last evaluated: 2024-11-11. Review status: criteria provided, single submitter. Criteria: ACMG Guidelines, 2015. Collection method: clinical testing. Allele origin: germline. Affected: yes.

Ambry Genetics
Classification: Pathogenic for Familial thoracic aortic aneurysm and aortic dissection. Last evaluated: 2020-07-07. Review status: criteria provided, single submitter. Criteria: Ambry Variant Classification Scheme 2023. Collection method: clinical testing. Allele origin: germline.
Comment: The p.C711R pathogenic mutation (also known as c.2131T>C), located in coding exon 17 of the FBN1 gene, results from a T to C substitution at nucleotide position 2131. The cysteine at codon 711 is replaced by arginine, an amino acid with highly dissimilar properties, and is located in the TGFBP #02 domain. This alteration has been reported in a subject with features of Marfan syndrome (Groth KA et al. Genet. Med., 2017 07;19:772-777). Other alterations affecting the same amino acid, p.C711Y (c.2132G>A) and p.C711G (c.2131T>G), have been reported in association with Marfan syndrome (Ad&egrave;s LC et al. J. Med. Genet., 1996 Aug;33:665-71; Groth KA et al. Genet. Med., 2017 07;19:772-777). Based on internal structural assessment, this alteration eliminates a critical disulfide bond in the structurally sensitive TGFBP #02 domain. This variant was not reported in population-based cohorts in the Genome Aggregation Database (gnomAD). Based on the supporting evidence, this alteration is interpreted as a disease-causing mutation.

Women's Health and Genetics/Laboratory Corporation of America, LabCorp
Classification: Likely pathogenic for Marfan Syndrome/Loeys-Dietz Syndrome/Familial Thoracic Aortic Aneurysms and Dissections. Last evaluated: 2017-05-16. Review status: criteria provided, single submitter. Criteria: LabCorp Variant Classification Summary - May 2015. Collection method: clinical testing. Allele origin: germline.
Comment: Variant summary: The FBN1 c.2131T>C (p.Cys711Arg) variant involves the alteration of a highly conserved nucleotide and is located in the transforming growth factor beta-1-binding (TB) #3 domain in which Cys substitution is generally known to be deleterious. 5/5 in silico tools predict deleterious outcome for this variant. The variant is absent from control datasets of ExAC and gnomAD (~121412 and 277248 chrs tested, respectively). The c.2131T>C was reported de novo change in two patients presented with classic MFS (UMD). The Cys711 appears to be a mutational hot-spot as additional alterations of the same codon, c.2132G>A (p.C711Y) and c.2131T>G (p.C711G), were reported in patients with MFS (UMD; PMID: 8863159 ). Taken together, this variant is currently classified as "Likely Pathogenic".

Literature cited by the submitters: PubMed 27906200 (cited by Ambry Genetics).

NM_000138.5(FBN1):c.2131T>C (p.Cys711Arg)

Gene: FBN1 (fibrillin 1; minus strand). Cytogenetic location: 15q21.1.
Variant type: single nucleotide variant.
Coding change: c.2131T>C on transcript NM_000138.5 (MANE Select); coding-DNA position 2131, T replaced by C.
Protein change: p.Cys711Arg; replaces cysteine 711 with arginine.
Molecular consequence: missense variant.
Genome position (GRCh38, 1-based): chr15:48,499,021, A>G on the plus strand (T>C on the coding strand, the complement: FBN1 is on the minus strand). VCF-style: chr15-48499021-A-G. GRCh37 (hg19) VCF-style: chr15-48791218-A-G.
Other names: short protein forms C711R.
Identifiers: ClinVar variation 495572 (VCV000495572.4), dbSNP rs1555399481, ClinGen allele CA392336329.